The following is an entry in ClinVar:

NM_000030.3(AGXT):c.595+1G>A

Gene: AGXT (alanine--glyoxylate aminotransferase; plus strand). Cytogenetic location: 2q37.3.
Variant type: single nucleotide variant.
Coding change: c.595+1G>A on transcript NM_000030.3 (MANE Select); the canonical splice donor site of the intron after coding-DNA position 595, G replaced by A.
Molecular consequence: splice donor variant.
Genome position (GRCh38, 1-based): chr2:240,873,050, G>A. VCF-style: chr2-240873050-G-A. GRCh37 (hg19) VCF-style: chr2-241812467-G-A.
Identifiers: ClinVar variation 2681175 (VCV002681175.1), dbSNP rs1172393548, ClinGen allele CA351316631.
Genomic context (GRCh38, chr2:240,873,050, plus strand): 5'-TGCTCCTGGTGGATTCGGTGGCATCCCTGGGCGGGACCCCCCTTTACATGGACCGGCAAG[G>A]TAAGGGTGGGCTCTGAGAGCCCTACCCAGCCCAAGCAGCCTTGGGGCTCCGCGTGCAGGA-3'

ClinVar aggregate classification (germline): Likely pathogenic (1 of 4 stars; one submission).

Conditions:
Primary hyperoxaluria, type I (HP1). Also called: OXALOSIS I; Primary hyperoxaluria type 1; GLYCOLIC ACIDURIA; HEPATIC AGT DEFICIENCY. Identifiers: Orphanet 416, Orphanet 93598, MedGen C0268164, MONDO:0009823, OMIM 259900. Disease mechanism: loss of function.

Allele frequency attached by ClinVar (database versions not stated): gnomAD exomes below 0.00001.
gnomAD v4.1: 2 of 1,613,452 alleles (0.00012%); highest among the groups gnomAD compares: South Asian, 0.0022%; no homozygotes.

Submission:

Clinical Biochemistry Laboratory, Health Services Laboratory
Classification: Likely pathogenic for Primary hyperoxaluria, type I. Last evaluated: 2023-10-27. Review status: criteria provided, single submitter. Criteria: ACMG Guidelines, 2015. Collection method: curation. Allele origin: germline.
Comment: ACMG:PVS1 PM2